The following is an entry in ClinVar:

NM_001042492.3(NF1):c.6270dup (p.Asn2091fs)

Gene: NF1 (neurofibromin 1; plus strand). Cytogenetic location: 17q11.2.
Variant type: Duplication.
Coding change: c.6270dup on transcript NM_001042492.3 (MANE Select); coding-DNA position 6270, one base duplicated (C; older notation c.6270dupC).
Protein change: p.Asn2091fs; shifts the reading frame from asparagine 2091.
Molecular consequence: frameshift variant.
Genome position (GRCh38, 1-based): chr17:31,336,757, C duplicated. VCF-style (leftmost placement, unchanged base first): chr17-31336756-T-TC. GRCh37 (hg19) VCF-style: chr17-29663774-T-TC.
Other names: c.6207dup, p.Asn2070Glnfs (NM_000267.4); short protein forms N2091fs, N2070fs.
Identifiers: ClinVar variation 2736566 (VCV002736566.3), dbSNP rs2508748849, ClinGen allele CA658761024.

ClinVar aggregate classification (germline): Pathogenic (1 of 4 stars; one submission).

Conditions:
Neurofibromatosis, type 1 (NF1). Also called: Neurofibromatosis, type I; Peripheral type neurofibromatosis; VON RECKLINGHAUSEN DISEASE; NEUROFIBROMATOSIS, TYPE I, SOMATIC. Identifiers: Orphanet 636, MedGen C0027831, MONDO:0018975, OMIM 162200. Disease mechanism: loss of function.

Submission:

Labcorp Genetics (formerly Invitae), Labcorp
Classification: Pathogenic for Neurofibromatosis, type 1. Last evaluated: 2023-05-02. Review status: criteria provided, single submitter. Criteria: Invitae Variant Classification Sherloc (09022015). Collection method: clinical testing. Allele origin: germline.
Comment: This sequence change creates a premature translational stop signal (p.Asn2070Glnfs*5) in the NF1 gene. It is expected to result in an absent or disrupted protein product. Loss-of-function variants in NF1 are known to be pathogenic (PMID: 10712197, 23913538). This variant is not present in population databases (gnomAD no frequency). This premature translational stop signal has been observed in individual(s) with neurofibromatosis, type 1 (PMID: 23913538). Algorithms developed to predict the effect of sequence changes on RNA splicing suggest that this variant may disrupt the consensus splice site. For these reasons, this variant has been classified as Pathogenic.

Literature cited by the submitters: PubMed 10712197; PubMed 23913538.